The following is an entry in ClinVar:

NM_024312.5(GNPTAB):c.2806del (p.Arg936fs)

Gene: GNPTAB (N-acetylglucosamine-1-phosphate transferase subunits alpha and beta; minus strand). Cytogenetic location: 12q23.2.
Variant type: Deletion.
Coding change: c.2806del on transcript NM_024312.5 (MANE Select); coding-DNA position 2806, one base deleted (A; older notation c.2806delA).
Protein change: p.Arg936fs; shifts the reading frame from arginine 936.
Molecular consequence: frameshift variant.
Genome position (GRCh38, 1-based): chr12:101,761,673, T deleted on the plus strand (A on the coding strand, the reverse complement: GNPTAB is on the minus strand). VCF-style (leftmost placement, unchanged base first): chr12-101761672-CT-C. GRCh37 (hg19) VCF-style: chr12-102155450-CT-C.
Other names: short protein forms R936fs.
Identifiers: ClinVar variation 4816146 (VCV004816146.1).

ClinVar aggregate classification (germline): Likely pathogenic (1 of 4 stars; one submission).

Conditions:
Mucolipidosis type II. Also called: ML II ALPHA/BETA; Mucolipidosis 2; ML 2; Inclusion cell disease; Leroy Disease; N-acetylglucosamine 1phosphotransferase deficiency. Identifiers: Orphanet 576, MedGen C2673377, MONDO:0009650, OMIM 252500.

Submission:

Natera, Inc.
Classification: Likely pathogenic for Mucolipidosis type II. Last evaluated: 2024-12-05. Review status: criteria provided, single submitter. Criteria: Natera Variant Classification Schema (03/2026). Collection method: clinical testing. Allele origin: germline.
Comment: The c.2806del variant in GNPTAB is a frameshift variant predicted to shift the reading frame beginning at codon 936 and leads to a stop codon 3 codons downstream. This variant is expected to result in nonsense mediated decay, truncation, or a dysfunctional protein product. This variant is rare in the general population with a frequency below the threshold expected for the associated phenotype(s). Given the available evidence, this variant is classified as Likely Pathogenic.